The following is an entry in ClinVar:

NM_001042492.3(NF1):c.7190-1490A>G

Gene: NF1 (neurofibromin 1; plus strand). Cytogenetic location: 17q11.2.
Variant type: single nucleotide variant.
Coding change: c.7190-1490A>G on transcript NM_001042492.3 (MANE Select); 1490 bases into the intron before coding-DNA position 7190, A replaced by G.
Molecular consequence: intron variant.
Genome position (GRCh38, 1-based): chr17:31,347,630, A>G. VCF-style: chr17-31347630-A-G. GRCh37 (hg19) VCF-style: chr17-29674648-A-G.
Other names: c.7127-1490A>G (NM_000267.4).
Identifiers: ClinVar variation 4031593 (VCV004031593.1).

ClinVar aggregate classification (germline): Uncertain significance (1 of 4 stars; one submission).

Conditions:
Cardiovascular phenotype. Identifiers: MedGen CN230736.
Hereditary cancer-predisposing syndrome. Also called: Neoplastic Syndromes, Hereditary; Tumor predisposition; Hereditary neoplastic syndrome; Hereditary Cancer Syndrome. Identifiers: Orphanet 140162, MedGen C0027672, MeSH D009386, MONDO:0015356.

Submission:

Ambry Genetics
Classification: Uncertain significance for Cardiovascular phenotype; Hereditary cancer-predisposing syndrome. Last evaluated: 2025-05-20. Review status: criteria provided, single submitter. Criteria: Ambry Variant Classification Scheme 2023. Collection method: clinical testing. Allele origin: germline.
Comment: The c.7127-1490A>G intronic variant results from an A to G substitution 1490 nucleotides upstream from coding exon 48 in the NF1 gene. This nucleotide position has limited sequence alignment. In silico splice site analysis predicts that this alteration will result in the creation or strengthening of a novel splice donor site. RNA studies have demonstrated that this alteration results in a splice defect; the clinical impact of this abnormal splicing is unknown at this time (Ambry internal data). Based on the available evidence, the clinical significance of this variant remains unclear.